The following is an entry in ClinVar:

NM_001350162.2(TEX15):c.6960A>G (p.Lys2320=)

Gene: TEX15 (testis expressed 15, meiosis and synapsis associated; minus strand). Cytogenetic location: 8p12.
Variant type: single nucleotide variant.
Coding change: c.6960A>G on transcript NM_001350162.2 (MANE Select); coding-DNA position 6960, A replaced by G.
Protein change: p.Lys2320=; no amino-acid change (lysine 2320 retained).
Molecular consequence: synonymous variant.
Genome position (GRCh38, 1-based): chr8:30,843,207, T>C on the plus strand (A>G on the coding strand, the complement: TEX15 is on the minus strand). VCF-style: chr8-30843207-T-C. GRCh37 (hg19) VCF-style: chr8-30700723-T-C.
Other names: c.5811A>G, p.Lys1937= (NM_031271.3).
Identifiers: ClinVar variation 2658520 (VCV002658520.24), dbSNP rs1807504722, ClinGen allele CA460484389.
Genomic context (GRCh38, chr8:30,843,207, plus strand): 5'-GGAAGCAATTATAGTATCCTCCTCAAGCCCAATAGGGGAAATTGGTTCATTGTTTAAATC[T>C]TTAGACAAAGTATCATATATCTTCTGCAACTTAGAAAAGGCACATTTATTCACTCTGAGT-3'
Protein context (NP_001337091.1, residues 2310-2330): KLQKIYDTLS[Lys2320=]DLNNEPISPI

ClinVar aggregate classification (germline): Likely benign (1 of 4 stars; one submission).

Allele frequency attached by ClinVar (database versions not stated): gnomAD exomes below 0.00001; TOPMed below 0.00001.
gnomAD v4.1: 3 of 1,613,516 alleles (0.00019%); highest among the groups gnomAD compares: Non-Finnish European, 0.00025%; no homozygotes.

Submission:

CeGaT Center for Human Genetics Tuebingen
Classification: Likely benign. Last evaluated: 2023-10-01. Review status: criteria provided, single submitter. Criteria: CeGaT Center For Human Genetics Tuebingen Variant Classification Criteria Version 2. Collection method: clinical testing. Allele origin: germline. Affected: yes. Observed: 1 variant allele.
Comment: TEX15: PM2:Supporting, BP4, BP7